The following is an entry in ClinVar:

NM_001321380.2(PIK3C2A):c.-75-13528T>G

Gene: PIK3C2A (phosphatidylinositol-4-phosphate 3-kinase catalytic subunit type 2 alpha; minus strand). Cytogenetic location: 11p15.1.
Variant type: single nucleotide variant.
Coding change: c.-75-13528T>G on transcript NM_001321380.2; 13528 bases into the intron before 75 bases upstream of the start codon, T replaced by G.
Molecular consequence: intron variant. On other transcripts: nonsense (2).
Genome position (GRCh38, 1-based): chr11:17,169,157, A>C on the plus strand (T>G on the coding strand, the complement: PIK3C2A is on the minus strand). VCF-style: chr11-17169157-A-C. GRCh37 (hg19) VCF-style: chr11-17190704-A-C.
Other names: c.585T>G, p.Tyr195Ter (NM_001321378.2, NM_002645.4); short protein forms Y195*.
Identifiers: ClinVar variation 631521 (VCV000631521.2), dbSNP rs1565287817, ClinGen allele CA379775452.

ClinVar aggregate classification (germline): Likely pathogenic. Review status: criteria provided, single submitter (1 of 4 stars). 2 submissions from 2 submitters: Likely pathogenic (1). 1 of the submissions does not count toward it. Last evaluated 2019-10-02.

Conditions:
Oculocerebrodental syndrome (OCSKD). Also called: OCULOSKELETODENTAL SYNDROME; CATARACTS, EARLY-ONSET, WITH SKELETAL AND DENTAL ANOMALIES. Identifiers: Orphanet 557003, MedGen C5193101, MONDO:0034145, OMIM 618440.

Submissions (2):

SIB Swiss Institute of Bioinformatics
Classification: Likely pathogenic for Oculocerebrodental syndrome. Last evaluated: 2019-10-02. Review status: criteria provided, single submitter. Criteria: ACMG Guidelines, 2015. Collection method: curation. Allele origin: unknown.
Comment: This variant is interpreted as a Likely pathogenic for Oculoskeletodental syndrome, autosomal recessive. The following ACMG Tag(s) were applied: PM2, PP1, PVS1-Moderate, PS3-Moderate.

OMIM
Classification: Pathogenic for OCULOSKELETODENTAL SYNDROME. Last evaluated: 2019-05-21. Review status: no assertion criteria provided. Collection method: literature only. Allele origin: germline. Not counted in ClinVar's aggregate classification.

Literature cited by the submitters: PubMed 31034465 (cited by SIB Swiss Institute of Bioinformatics and OMIM).